The following is an entry in ClinVar:

NM_025144.4(ALPK1):c.2581A>G (p.Met861Val)

Gene: ALPK1 (alpha kinase 1; plus strand). Cytogenetic location: 4q25.
Variant type: single nucleotide variant.
Coding change: c.2581A>G on transcript NM_025144.4 (MANE Select); coding-DNA position 2581, A replaced by G.
Protein change: p.Met861Val; replaces methionine 861 with valine.
Molecular consequence: missense variant.
Genome position (GRCh38, 1-based): chr4:112,432,128, A>G. VCF-style: chr4-112432128-A-G. GRCh37 (hg19) VCF-style: chr4-113353284-A-G.
Other names: c.2581A>G, p.Met861Val (NM_001102406.2); c.2347A>G, p.Met783Val (NM_001253884.2); short protein forms M861V, M783V.
Identifiers: ClinVar variation 2777339 (VCV002777339.3), dbSNP rs184567750, ClinGen allele CA3046942.

ClinVar aggregate classification (germline): Uncertain significance (1 of 4 stars; one submission).

Allele frequency attached by ClinVar (database versions not stated): TOPMed below 0.00001; ExAC 0.00001; gnomAD 0.00001; gnomAD exomes 0.00001; 1000 Genomes Project 30x 0.00031; 1000 Genomes Project 0.00040.
gnomAD v4.1: 21 of 1,614,192 alleles (0.0013%); highest among the groups gnomAD compares: Admixed American, 0.013%; no homozygotes.

Submission:

Labcorp Genetics (formerly Invitae), Labcorp
Classification: Uncertain significance. Last evaluated: 2023-08-19. Review status: criteria provided, single submitter. Criteria: Invitae Variant Classification Sherloc (09022015). Collection method: clinical testing. Allele origin: germline.
Comment: This variant is present in population databases (rs184567750, gnomAD 0.003%). In summary, the available evidence is currently insufficient to determine the role of this variant in disease. Therefore, it has been classified as a Variant of Uncertain Significance. Advanced modeling of protein sequence and biophysical properties (such as structural, functional, and spatial information, amino acid conservation, physicochemical variation, residue mobility, and thermodynamic stability) performed at Invitae indicates that this missense variant is not expected to disrupt ALPK1 protein function. This variant has not been reported in the literature in individuals affected with ALPK1-related conditions. This sequence change replaces methionine, which is neutral and non-polar, with valine, which is neutral and non-polar, at codon 861 of the ALPK1 protein (p.Met861Val).